The following is an entry in ClinVar:

ClinVar aggregate classification (germline): Uncertain significance (1 of 4 stars; one submission).

Conditions:
Gnathodiaphyseal dysplasia (GDD). Also called: GNATHODIAPHYSEAL SCLEROSIS; OSTEOGENESIS IMPERFECTA WITH UNUSUAL SKELETAL LESIONS. Identifiers: Orphanet 53697, MedGen C1833736, MONDO:0008151, OMIM 166260.
Autosomal recessive limb-girdle muscular dystrophy type 2L (LGMDR12). Also called: Limb-girdle muscular dystrophy, type 2L; MUSCULAR DYSTROPHY, LIMB-GIRDLE, AUTOSOMAL RECESSIVE 12; Limb-Girdle Muscular Dystrophy R12 Anoctamin-5-Related (LGMD-R12). Identifiers: Orphanet 206549, MedGen C1969785, MONDO:0012652, OMIM 611307.

Submission:

Labcorp Genetics (formerly Invitae), Labcorp
Classification: Uncertain significance for Autosomal recessive limb-girdle muscular dystrophy type 2L; Gnathodiaphyseal dysplasia. Last evaluated: 2024-04-22. Review status: criteria provided, single submitter. Criteria: Invitae Variant Classification Sherloc (09022015). Collection method: clinical testing. Allele origin: germline.
Comment: This sequence change replaces lysine, which is basic and polar, with asparagine, which is neutral and polar, at codon 847 of the ANO5 protein (p.Lys847Asn). This variant is present in population databases (rs574225924, gnomAD 0.003%). This variant has not been reported in the literature in individuals affected with ANO5-related conditions. Advanced modeling of protein sequence and biophysical properties (such as structural, functional, and spatial information, amino acid conservation, physicochemical variation, residue mobility, and thermodynamic stability) has been performed at Invitae for this missense variant, however the output from this modeling did not meet the statistical confidence thresholds required to predict the impact of this variant on ANO5 protein function. In summary, the available evidence is currently insufficient to determine the role of this variant in disease. Therefore, it has been classified as a Variant of Uncertain Significance.

NM_213599.3(ANO5):c.2541A>C (p.Lys847Asn)

Gene: ANO5 (anoctamin 5; plus strand). Cytogenetic location: 11p14.3.
Variant type: single nucleotide variant.
Coding change: c.2541A>C on transcript NM_213599.3 (MANE Select); coding-DNA position 2541, A replaced by C.
Protein change: p.Lys847Asn; replaces lysine 847 with asparagine.
Molecular consequence: missense variant.
Genome position (GRCh38, 1-based): chr11:22,279,564, A>C. VCF-style: chr11-22279564-A-C. GRCh37 (hg19) VCF-style: chr11-22301110-A-C.
Other names: c.2538A>C, p.Lys846Asn (NM_001142649.2); c.2499A>C, p.Lys833Asn (NM_001410963.1); c.2496A>C, p.Lys832Asn (NM_001410964.1); short protein forms K832N, K833N, K846N, K847N.
Identifiers: ClinVar variation 3752162 (VCV003752162.2).